The following is an entry in ClinVar:

ClinVar aggregate classification (germline): Uncertain significance. Review status: criteria provided, multiple submitters, no conflicts (2 of 4 stars). 3 submissions from 3 submitters: Uncertain significance (3). Last evaluated 2025-03-30.

Conditions:
Propionic acidemia (PROP). Also called: GLYCINEMIA, KETOTIC; HYPERGLYCINEMIA WITH KETOACIDOSIS AND LEUKOPENIA; KETOTIC HYPERGLYCINEMIA. Identifiers: Orphanet 35, MedGen C0268579, MONDO:0011628, OMIM 606054, HP:0003571.

Allele frequency attached by ClinVar (database versions not stated): gnomAD 0.00001 and 0.00003; gnomAD exomes 0.00002 and 0.00013; TOPMed 0.00002; ExAC 0.00012; 1000 Genomes Project 30x 0.00062; 1000 Genomes Project 0.00080.
gnomAD v4.1: 32 of 1,612,872 alleles (0.002%); highest among the groups gnomAD compares: East Asian, 0.069%; no homozygotes.

Submissions (3):

GeneDx
Classification: Uncertain significance. Last evaluated: 2025-03-30. Review status: criteria provided, single submitter. Criteria: GeneDx Variant Classification Process June 2021. Collection method: clinical testing. Allele origin: germline. Affected: yes.
Comment: In silico analysis supports that this missense variant has a deleterious effect on protein structure/function; Has not been previously published as pathogenic or benign to our knowledge

Labcorp Genetics (formerly Invitae), Labcorp
Classification: Uncertain significance for Propionic acidemia. Last evaluated: 2022-06-16. Review status: criteria provided, single submitter. Criteria: Invitae Variant Classification Sherloc (09022015). Collection method: clinical testing. Allele origin: germline.
Comment: This sequence change replaces isoleucine, which is neutral and non-polar, with threonine, which is neutral and polar, at codon 39 of the PCCB protein (p.Ile39Thr). This variant is present in population databases (rs182412270, gnomAD 0.2%). This variant has not been reported in the literature in individuals affected with PCCB-related conditions. ClinVar contains an entry for this variant (Variation ID: 343458). Algorithms developed to predict the effect of missense changes on protein structure and function (SIFT, PolyPhen-2, Align-GVGD) all suggest that this variant is likely to be disruptive. In summary, the available evidence is currently insufficient to determine the role of this variant in disease. Therefore, it has been classified as a Variant of Uncertain Significance.

Illumina Laboratory Services, Illumina
Classification: Uncertain significance for Propionic acidemia. Last evaluated: 2018-01-13. Review status: criteria provided, single submitter. Criteria: ICSL Variant Classification Criteria 13 December 2019. Collection method: clinical testing. Allele origin: germline.

NM_000532.5(PCCB):c.116T>C (p.Ile39Thr)

Gene: PCCB (propionyl-CoA carboxylase subunit beta; plus strand). Cytogenetic location: 3q22.3.
Variant type: single nucleotide variant.
Coding change: c.116T>C on transcript NM_000532.5 (MANE Select); coding-DNA position 116, T replaced by C.
Protein change: p.Ile39Thr; replaces isoleucine 39 with threonine.
Molecular consequence: missense variant.
Genome position (GRCh38, 1-based): chr3:136,250,491, T>C. VCF-style: chr3-136250491-T-C. GRCh37 (hg19) VCF-style: chr3-135969333-T-C.
Other names: c.116T>C, p.Ile39Thr (NM_001178014.2); short protein forms I39T.
Identifiers: ClinVar variation 343458 (VCV000343458.7), dbSNP rs182412270, ClinGen allele CA2631575.